The following is an entry in ClinVar:

ClinVar aggregate classification (germline): Uncertain significance. Review status: criteria provided, multiple submitters, no conflicts (2 of 4 stars). 2 submissions from 2 submitters: Uncertain significance (2). Last evaluated 2025-06-02.

Conditions:
Inborn genetic diseases. Identifiers: MedGen C0950123, MeSH D030342.

Submissions (2):

Ambry Genetics
Classification: Uncertain significance for Inborn genetic diseases. Last evaluated: 2025-06-02. Review status: criteria provided, single submitter. Criteria: Ambry Variant Classification Scheme 2023. Collection method: clinical testing. Allele origin: germline.
Comment: The p.L308F variant (also known as c.924G>C), located in coding exon 5 of the FANCM gene, results from a G to C substitution at nucleotide position 924. The leucine at codon 308 is replaced by phenylalanine, an amino acid with highly similar properties. This amino acid position is conserved. In addition, this alteration is predicted to be tolerated by in silico analysis. Based on the available evidence, the clinical significance of this variant remains unclear.

GeneDx
Classification: Uncertain significance. Last evaluated: 2019-05-23. Review status: criteria provided, single submitter. Criteria: GeneDx Variant Classification Process June 2021. Collection method: clinical testing. Allele origin: germline. Affected: yes.
Comment: Not observed in large population cohorts (Lek et al., 2016); In silico analysis, which includes protein predictors and evolutionary conservation, supports a deleterious effect; Has not been previously published as pathogenic or benign to our knowledge

NM_020937.4(FANCM):c.924G>C (p.Leu308Phe)

Gene: FANCM (FA complementation group M; plus strand). Cytogenetic location: 14q21.2.
Variant type: single nucleotide variant.
Coding change: c.924G>C on transcript NM_020937.4 (MANE Select); coding-DNA position 924, G replaced by C.
Protein change: p.Leu308Phe; replaces leucine 308 with phenylalanine.
Molecular consequence: missense variant.
Genome position (GRCh38, 1-based): chr14:45,151,402, G>C. VCF-style: chr14-45151402-G-C. GRCh37 (hg19) VCF-style: chr14-45620605-G-C.
Other names: c.846G>C, p.Leu282Phe (NM_001308133.2); c.924G>C, p.Leu308Phe (NM_001308134.2); short protein forms L282F, L308F.
Identifiers: ClinVar variation 1306163 (VCV001306163.3), dbSNP rs756513033, ClinGen allele CA389590481.